The following is an entry in ClinVar:

ClinVar aggregate classification (germline): Uncertain significance (1 of 4 stars; one submission).

Allele frequency attached by ClinVar (database versions not stated): TOPMed below 0.00001; ExAC 0.00001; gnomAD 0.00001; ESP Exome Variant Server 0.00008.
gnomAD v4.1: 1 of 1,613,304 alleles (0.000062%); highest among the groups gnomAD compares: African/African-American, 0.0013%; no homozygotes.

Submission:

GeneDx
Classification: Uncertain significance. Last evaluated: 2020-01-10. Review status: criteria provided, single submitter. Criteria: GeneDx Variant Classification Process June 2021. Collection method: clinical testing. Allele origin: germline. Affected: yes.
Comment: Not observed in large population cohorts (Lek et al., 2016); In silico analysis, which includes protein predictors and evolutionary conservation, supports a deleterious effect; Has not been previously published as pathogenic or benign to our knowledge

NM_002816.5(PSMD12):c.731G>C (p.Cys244Ser)

Gene: PSMD12 (proteasome 26S subunit, non-ATPase 12; minus strand). Cytogenetic location: 17q24.2.
Variant type: single nucleotide variant.
Coding change: c.731G>C on transcript NM_002816.5 (MANE Select); coding-DNA position 731, G replaced by C.
Protein change: p.Cys244Ser; replaces cysteine 244 with serine.
Molecular consequence: missense variant.
Genome position (GRCh38, 1-based): chr17:67,347,180, C>G on the plus strand (G>C on the coding strand, the complement: PSMD12 is on the minus strand). VCF-style: chr17-67347180-C-G. GRCh37 (hg19) VCF-style: chr17-65343296-C-G.
Other names: c.554G>C, p.Cys185Ser (NM_001316341.2); c.671G>C, p.Cys224Ser (NM_174871.4); short protein forms C185S, C224S, C244S.
Identifiers: ClinVar variation 1311277 (VCV001311277.2), dbSNP rs367831989, ClinGen allele CA8723694.